The following is an entry in ClinVar:

ClinVar aggregate classification (germline): Likely benign. Review status: criteria provided, multiple submitters, no conflicts (2 of 4 stars). 2 submissions from 2 submitters: Likely benign (2). Last evaluated 2025-03-31.

Conditions:
Retinoblastoma (RB1). Also called: RETINOBLASTOMA, SOMATIC. Identifiers: Orphanet 790, MedGen C0035335, MeSH D012175, MONDO:0008380, OMIM 180200, HP:0009919. Disease mechanism: loss of function. Inheritance: Both sporadic and heritable forms are tested..

Allele frequency attached by ClinVar (database versions not stated): gnomAD exomes 0.00001.
gnomAD v4.1: 8 of 1,557,856 alleles (0.00051%); highest among the groups gnomAD compares: Non-Finnish European, 0.00069%; no homozygotes.

Submissions (2):

Labcorp Genetics (formerly Invitae), Labcorp
Classification: Likely benign for Retinoblastoma. Last evaluated: 2025-03-31. Review status: criteria provided, single submitter. Criteria: Invitae Variant Classification Sherloc (09022015). Collection method: clinical testing. Allele origin: germline.

All of Us Research Program, National Institutes of Health
Classification: Likely benign for Retinoblastoma. Last evaluated: 2023-03-23. Review status: criteria provided, single submitter. Criteria: ACMG Guidelines, 2015. Collection method: clinical testing. Allele origin: germline. Inheritance: Autosomal dominant inheritance. Observed: 1 variant allele, 1 heterozygote.
Comment: This study involves interpretation of variants in research participants for the purpose of population health screening. Participant phenotype was not available at the time of variant classification. Additional details can be found in publication PMID: 35346344, PMCID: PMC8962531

NM_000321.3(RB1):c.1422-9T>C

Gene: RB1 (RB transcriptional corepressor 1; plus strand). Cytogenetic location: 13q14.2.
Variant type: single nucleotide variant.
Coding change: c.1422-9T>C on transcript NM_000321.3 (MANE Select); 9 bases into the intron before coding-DNA position 1422, T replaced by C.
Molecular consequence: intron variant.
Genome position (GRCh38, 1-based): chr13:48,380,156, T>C. VCF-style: chr13-48380156-T-C. GRCh37 (hg19) VCF-style: chr13-48954292-T-C.
Identifiers: ClinVar variation 2129432 (VCV002129432.5), dbSNP rs2138142664, ClinGen allele CA2580087595.